The following is an entry in ClinVar:

NM_017635.5(KMT5B):c.543+1G>A

Gene: KMT5B (lysine methyltransferase 5B; minus strand). Cytogenetic location: 11q13.2.
Variant type: single nucleotide variant.
Coding change: c.543+1G>A on transcript NM_017635.5 (MANE Select); the canonical splice donor site of the intron after coding-DNA position 543, G replaced by A.
Molecular consequence: splice donor variant.
Genome position (GRCh38, 1-based): chr11:68,175,017, C>T on the plus strand (G>A on the coding strand, the complement: KMT5B is on the minus strand). VCF-style: chr11-68175017-C-T. GRCh37 (hg19) VCF-style: chr11-67942484-C-T.
Other names: c.27+1G>A (NM_001369430.1, NM_001369432.1, NM_001369428.1 and 5 more transcripts); c.-125+1G>A (NM_001300908.2); c.543+1G>A (NM_001369426.1, NM_001363566.2, NM_001369427.1 and 1 more transcripts); c.330+1G>A (NM_001369425.1); c.474+1G>A (NM_001300909.2).
Identifiers: ClinVar variation 3900794 (VCV003900794.1).

ClinVar aggregate classification (germline): Likely pathogenic (1 of 4 stars; one submission).

Submission:

GeneDx
Classification: Likely pathogenic. Last evaluated: 2024-11-27. Review status: criteria provided, single submitter. Criteria: GeneDx Variant Classification Process June 2021. Collection method: clinical testing. Allele origin: germline. Affected: yes.
Comment: De novo variant in a patient with autism in published literature; however, detailed clinical information was not provided (PMID: 35982159); Canonical splice site variant predicted to result in a null allele in a gene for which loss of function is a known mechanism of disease; Not observed at significant frequency in large population cohorts (gnomAD); This variant is associated with the following publications: (PMID: 35982160, 35982159)